The following is an entry in ClinVar:

ClinVar aggregate classification (germline): Uncertain significance (1 of 4 stars; one submission).

Submission:

Labcorp Genetics (formerly Invitae), Labcorp
Classification: Uncertain significance. Last evaluated: 2022-08-13. Review status: criteria provided, single submitter. Criteria: Invitae Variant Classification Sherloc (09022015). Collection method: clinical testing. Allele origin: germline.
Comment: This sequence change replaces arginine, which is basic and polar, with histidine, which is basic and polar, at codon 102 of the FRMPD4 protein (p.Arg102His). This variant is not present in population databases (gnomAD no frequency). This variant has not been reported in the literature in individuals affected with FRMPD4-related conditions. Algorithms developed to predict the effect of missense changes on protein structure and function are either unavailable or do not agree on the potential impact of this missense change (SIFT: "Deleterious"; PolyPhen-2: "Probably Damaging"; Align-GVGD: "Class C0"). In summary, the available evidence is currently insufficient to determine the role of this variant in disease. Therefore, it has been classified as a Variant of Uncertain Significance.

NM_001368397.1(FRMPD4):c.305G>A (p.Arg102His)

Gene: FRMPD4 (FERM and PDZ domain containing 4; plus strand). Cytogenetic location: Xp22.2.
Variant type: single nucleotide variant.
Coding change: c.305G>A on transcript NM_001368397.1 (MANE Select); coding-DNA position 305, G replaced by A.
Protein change: p.Arg102His; replaces arginine 102 with histidine.
Molecular consequence: missense variant.
Genome position (GRCh38, 1-based): chrX:12,609,867, G>A. VCF-style: chrX-12609867-G-A. GRCh37 (hg19) VCF-style: chrX-12627986-G-A.
Other names: c.416G>A, p.Arg139His (NM_001368395.3, NM_001368398.3); c.305G>A, p.Arg102His (NM_001368396.3, NM_014728.3); c.296G>A, p.Arg99His (NM_001368399.3); c.185G>A, p.Arg62His (NM_001368400.3); c.281G>A, p.Arg94His (NM_001368401.1, NM_001368402.3); short protein forms R94H, R102H, R99H, R139H, R62H.
Identifiers: ClinVar variation 2024131 (VCV002024131.4), dbSNP rs2059164756, ClinGen allele CA412068205.